The following is an entry in ClinVar:

NM_016729.3(FOLR1):c.670G>A (p.Glu224Lys)

Genes: FOLR1 (folate receptor alpha; plus strand), FOLR1-AS1 (FOLR1 antisense RNA 1; minus strand). Cytogenetic location: 11q13.4.
Variant type: single nucleotide variant.
Coding change: c.670G>A on transcript NM_016729.3 (MANE Select); coding-DNA position 670, G replaced by A.
Protein change: p.Glu224Lys; replaces glutamic acid 224 with lysine.
Molecular consequence: missense variant.
Genome position (GRCh38, 1-based): chr11:72,196,073, G>A. VCF-style: chr11-72196073-G-A. GRCh37 (hg19) VCF-style: chr11-71907117-G-A.
Other names: c.670G>A, p.Glu224Lys (NM_000802.3, NM_016724.3, NM_016725.3); short protein forms E224K.
Identifiers: ClinVar variation 1387110 (VCV001387110.6), dbSNP rs779884094, ClinGen allele CA6169244.
Genomic context (GRCh38, chr11:72,196,073, plus strand): 5'-CGAGGGAGTGGCCGCTGCATCCAGATGTGGTTCGACCCAGCCCAGGGCAACCCCAATGAG[G>A]AGGTGGCGAGGTTCTATGCTGCAGCCATGAGTGGGGCTGGGCCCTGGGCAGCCTGGCCTT-3'
Protein context (NP_057941.1, residues 214-234): FDPAQGNPNE[Glu224Lys]VARFYAAAMS

ClinVar aggregate classification (germline): Uncertain significance (1 of 4 stars; one submission).

Conditions:
Cerebral folate transport deficiency. Also called: FOLATE RECEPTOR DEFICIENCY; NEURODEGENERATION DUE TO CEREBRAL FOLATE TRANSPORT DEFICIENCY; Neurodegenerative syndrome due to cerebral folate transport deficiency; FOLR1-Related Cerebral Folate Transport Deficiency; Cerebral folate deficiency syndrome. Identifiers: Orphanet 217382, MedGen C2751584, MONDO:0013110, OMIM 613068. Disease mechanism: loss of function.

Allele frequency attached by ClinVar (database versions not stated): gnomAD exomes below 0.00001 and 0.00001; ExAC 0.00001; gnomAD 0.00001.
gnomAD v4.1: 5 of 1,614,084 alleles (0.00031%); highest among the groups gnomAD compares: South Asian, 0.0044%; no homozygotes.

Submission:

Labcorp Genetics (formerly Invitae), Labcorp
Classification: Uncertain significance for Cerebral folate transport deficiency. Last evaluated: 2022-07-26. Review status: criteria provided, single submitter. Criteria: Invitae Variant Classification Sherloc (09022015). Collection method: clinical testing. Allele origin: germline.
Comment: ClinVar contains an entry for this variant (Variation ID: 1387110). This sequence change replaces glutamic acid, which is acidic and polar, with lysine, which is basic and polar, at codon 224 of the FOLR1 protein (p.Glu224Lys). This variant is present in population databases (rs779884094, gnomAD 0.006%). This variant has not been reported in the literature in individuals affected with FOLR1-related conditions. Algorithms developed to predict the effect of missense changes on protein structure and function output the following: SIFT: "Tolerated"; PolyPhen-2: "Benign"; Align-GVGD: "Class C0". The lysine amino acid residue is found in multiple mammalian species, which suggests that this missense change does not adversely affect protein function. In summary, the available evidence is currently insufficient to determine the role of this variant in disease. Therefore, it has been classified as a Variant of Uncertain Significance.